The following is an entry in ClinVar:

ClinVar aggregate classification (germline): Benign/Likely benign. Review status: criteria provided, multiple submitters, no conflicts (2 of 4 stars). 5 submissions from 5 submitters: Benign (2); Likely benign (3). Last evaluated 2026-01-21.

Conditions:
Blepharophimosis - intellectual disability syndrome, SBBYS type (SBBYSS). Also called: Say-Barber-Biesecker-Young-Simpson syndrome; Say-Barber-Biesecker-Young-Simpson variant of Ohdo Syndrome; Say-Barber-Biesecker Variant of Ohdo Syndrome; Young Simpson syndrome; Mental retardation unusual facies hypothyroidism; Say-Barber-Biesecker variant of Ohdo syndrome (SBBYSS). Identifiers: Orphanet 3047, MedGen C1863557, MONDO:0011365, OMIM 603736.
Genitopatellar syndrome (GTPTS). Also called: ABSENT PATELLAE, SCROTAL HYPOPLASIA, RENAL ANOMALIES, FACIAL DYSMORPHISM, AND MENTAL RETARDATION; Genitopatellar syndrome (GPS). Identifiers: Orphanet 85201, MedGen C1853566, MONDO:0011640, OMIM 606170.
KAT6B-related disorder. Also called: KAT6B-related disorders; KAT6B-related condition.

Allele frequency attached by ClinVar (database versions not stated): gnomAD 0.00001 and 0.00030; TOPMed 0.00005; gnomAD exomes 0.00049 and 0.00109; ExAC 0.00119; 1000 Genomes Project 0.00220.
gnomAD v4.1: 739 of 1,571,640 alleles (0.047%); highest among the groups gnomAD compares: South Asian, 0.78%; 10 homozygotes.

Submissions (5):

Labcorp Genetics (formerly Invitae), Labcorp
Classification: Benign for Genitopatellar syndrome. Last evaluated: 2026-01-21. Review status: criteria provided, single submitter. Criteria: Invitae Variant Classification Sherloc (09022015). Collection method: clinical testing. Allele origin: germline.

Blueprint Genetics
Classification: Likely benign. Last evaluated: 2024-11-25. Review status: criteria provided, single submitter. Criteria: ACMG Guidelines, 2015. Collection method: clinical testing. Allele origin: germline.

PreventionGenetics, part of Exact Sciences
Classification: Likely benign for KAT6B-related condition. Last evaluated: 2024-10-30. Review status: criteria provided, single submitter. Criteria: ACMG Guidelines, 2015. Collection method: clinical testing. Allele origin: germline.
Comment: This variant is classified as likely benign based on ACMG/AMP sequence variant interpretation guidelines (Richards et al. 2015 PMID: 25741868, with internal and published modifications).

Fulgent Genetics
Classification: Likely benign for Blepharophimosis - intellectual disability syndrome, SBBYS type; Genitopatellar syndrome. Last evaluated: 2022-04-06. Review status: criteria provided, single submitter. Criteria: ACMG Guidelines, 2015. Collection method: clinical testing. Allele origin: unknown.

GeneDx
Classification: Benign. Last evaluated: 2019-03-22. Review status: criteria provided, single submitter. Criteria: GeneDx Variant Classification Process June 2021. Collection method: clinical testing. Allele origin: germline. Affected: yes.

NM_012330.4(KAT6B):c.4080A>G (p.Glu1360=)

Gene: KAT6B (lysine acetyltransferase 6B; plus strand). Cytogenetic location: 10q22.2.
Variant type: single nucleotide variant.
Coding change: c.4080A>G on transcript NM_012330.4 (MANE Select); coding-DNA position 4080, A replaced by G.
Protein change: p.Glu1360=; no amino-acid change (glutamic acid 1360 retained).
Molecular consequence: synonymous variant.
Genome position (GRCh38, 1-based): chr10:75,028,904, A>G. VCF-style: chr10-75028904-A-G. GRCh37 (hg19) VCF-style: chr10-76788662-A-G.
Other names: c.3531A>G, p.Glu1177= (NM_001256468.2, NM_001370138.1); c.3204A>G, p.Glu1068= (NM_001256469.2, NM_001370139.1, NM_001370140.1 and 2 more transcripts); c.3042A>G, p.Glu1014= (NM_001370132.1); c.2391A>G, p.Glu797= (NM_001370133.1); c.1995A>G, p.Glu665= (NM_001370134.1); c.1737A>G, p.Glu579= (NM_001370135.1); c.4080A>G, p.Glu1360= (NM_001370136.1, NM_001370137.1); c.3015A>G, p.Glu1005= (NM_001370143.1, NM_001370144.1).
Identifiers: ClinVar variation 300888 (VCV000300888.15), dbSNP rs546432678, ClinGen allele CA5564964.